The following is an entry in ClinVar:

ClinVar aggregate classification (germline): Uncertain significance (1 of 4 stars; one submission).

Conditions:
Hereditary cancer-predisposing syndrome. Also called: Neoplastic Syndromes, Hereditary; Tumor predisposition; Hereditary Cancer Syndrome; Hereditary neoplastic syndrome. Identifiers: Orphanet 140162, MedGen C0027672, MeSH D009386, MONDO:0015356.

Submission:

Ambry Genetics
Classification: Uncertain significance for Hereditary cancer-predisposing syndrome. Last evaluated: 2026-06-03. Review status: criteria provided, single submitter. Criteria: Ambry Variant Classification Scheme 2023. Collection method: clinical testing. Allele origin: germline.
Comment: The p.L681S variant (also known as c.2042T>C), located in coding exon 13 of the BRIP1 gene, results from a T to C substitution at nucleotide position 2042. The leucine at codon 681 is replaced by serine, an amino acid with dissimilar properties. This amino acid position is conserved. In addition, this alteration is predicted to be deleterious by in silico analysis. Based on the available evidence, the clinical significance of this variant remains unclear.

NM_032043.3(BRIP1):c.2042T>C (p.Leu681Ser)

Gene: BRIP1 (BRCA1 interacting DNA helicase 1; minus strand). Cytogenetic location: 17q23.2.
Variant type: single nucleotide variant.
Coding change: c.2042T>C on transcript NM_032043.3 (MANE Select); coding-DNA position 2042, T replaced by C.
Protein change: p.Leu681Ser; replaces leucine 681 with serine.
Molecular consequence: missense variant.
Genome position (GRCh38, 1-based): chr17:61,776,456, A>G on the plus strand (T>C on the coding strand, the complement: BRIP1 is on the minus strand). VCF-style: chr17-61776456-A-G. GRCh37 (hg19) VCF-style: chr17-59853817-A-G.
Other names: short protein forms L681S.
Identifiers: ClinVar variation 4867898 (VCV004867898.1).